The following is an entry in ClinVar:

NM_001035.3(RYR2):c.4785G>A (p.Leu1595=)

Gene: RYR2 (ryanodine receptor 2; plus strand). Cytogenetic location: 1q43.
Variant type: single nucleotide variant.
Coding change: c.4785G>A on transcript NM_001035.3 (MANE Select); coding-DNA position 4785, G replaced by A.
Protein change: p.Leu1595=; no amino-acid change (leucine 1595 retained).
Molecular consequence: synonymous variant.
Genome position (GRCh38, 1-based): chr1:237,610,863, G>A. VCF-style: chr1-237610863-G-A. GRCh37 (hg19) VCF-style: chr1-237774163-G-A.
Other names: c.4785G>A, p.Leu1595= (LRG_402t1).
Identifiers: ClinVar variation 388805 (VCV000388805.3), dbSNP rs1027871812, ClinGen allele CA16603633.

ClinVar aggregate classification (germline): Likely benign. Review status: criteria provided, multiple submitters, no conflicts (2 of 4 stars). 3 submissions from 3 submitters: Likely benign (3). Last evaluated 2025-04-30.

Conditions:
Cardiovascular phenotype. Identifiers: MedGen CN230736.
Catecholaminergic polymorphic ventricular tachycardia 1. Also called: RYR2-Related Catecholaminergic Polymorphic Ventricular Tachycardia; VENTRICULAR TACHYCARDIA, CATECHOLAMINERGIC POLYMORPHIC, 1, WITH OR WITHOUT ATRIAL DYSFUNCTION AND/OR DILATED CARDIOMYOPATHY; VENTRICULAR TACHYCARDIA, STRESS-INDUCED POLYMORPHIC 1. Identifiers: Orphanet 3286, MedGen C1631597, MONDO:0011484, OMIM 604772.

Allele frequency attached by ClinVar (database versions not stated): gnomAD exomes below 0.00001; TOPMed 0.00001.
gnomAD v4.1: 1 of 1,613,398 alleles (0.000062%); highest among the groups gnomAD compares: Admixed American, 0.0017%; no homozygotes.

Submissions (3):

Labcorp Genetics (formerly Invitae), Labcorp
Classification: Likely benign for Catecholaminergic polymorphic ventricular tachycardia 1. Last evaluated: 2025-04-30. Review status: criteria provided, single submitter. Criteria: Invitae Variant Classification Sherloc (09022015). Collection method: clinical testing. Allele origin: germline.

Ambry Genetics
Classification: Likely benign for Cardiovascular phenotype. Last evaluated: 2024-11-13. Review status: criteria provided, single submitter. Criteria: Ambry Variant Classification Scheme 2023. Collection method: clinical testing. Allele origin: germline.

GeneDx
Classification: Likely benign. Last evaluated: 2016-08-22. Review status: criteria provided, single submitter. Criteria: GeneDx Variant Classification (06012015). Collection method: clinical testing. Allele origin: germline. Affected: yes.
Comment: This variant is considered likely benign or benign based on one or more of the following criteria: it is a conservative change, it occurs at a poorly conserved position in the protein, it is predicted to be benign by multiple in silico algorithms, and/or has population frequency not consistent with disease.